The following is an entry in ClinVar:

ClinVar aggregate classification (germline): Uncertain significance (1 of 4 stars; one submission).

gnomAD v4.1: 11 of 1,614,208 alleles (0.00068%); highest among the groups gnomAD compares: Admixed American, 0.005%; no homozygotes.

Submission:

Labcorp Genetics (formerly Invitae), Labcorp
Classification: Uncertain significance. Last evaluated: 2024-12-18. Review status: criteria provided, single submitter. Criteria: Invitae Variant Classification Sherloc (09022015). Collection method: clinical testing. Allele origin: germline.
Comment: This sequence change replaces arginine, which is basic and polar, with tryptophan, which is neutral and slightly polar, at codon 57 of the ANG protein (p.Arg57Trp). This variant is present in population databases (rs749308574, gnomAD 0.006%). This missense change has been observed in individual(s) with amyotrophic lateral sclerosis (PMID: 31025543). This variant is also known as R33W . An algorithm developed to predict the effect of missense changes on protein structure and function (PolyPhen-2) suggests that this variant is likely to be disruptive. Experimental studies have shown that this missense change affects ANG function (PMID: 31025543). In summary, the available evidence is currently insufficient to determine the role of this variant in disease. Therefore, it has been classified as a Variant of Uncertain Significance.

Literature cited by the submitters: PubMed 31025543.

NM_001097577.3(ANG):c.169C>T (p.Arg57Trp)

Genes: EGILA (EGFR interacting lncRNA; minus strand), RNASE4 (ribonuclease A family member 4; plus strand), ANG (angiogenin; plus strand). Cytogenetic location: 14q11.2.
Variant type: single nucleotide variant.
Coding change: c.169C>T on transcript NM_001097577.3 (MANE Select); coding-DNA position 169, C replaced by T.
Protein change: p.Arg57Trp; replaces arginine 57 with tryptophan.
Molecular consequence: missense variant. On other transcripts: non-coding transcript variant (1), intron variant (4).
Genome position (GRCh38, 1-based): chr14:20,693,733, C>T. VCF-style: chr14-20693733-C-T. GRCh37 (hg19) VCF-style: chr14-21161892-C-T.
Other names: c.169C>T, p.Arg57Trp (NM_001145.4, NM_001385271.1, NM_001385272.1 and 2 more transcripts); c.-18+83C>T (NM_001282192.2); c.-17-5622C>T (NM_002937.5, NM_001282193.2); c.-18+4859C>T (NM_194431.3); short protein forms R57W.
Identifiers: ClinVar variation 3618337 (VCV003618337.2).